The following is an entry in ClinVar:

NM_000123.4(ERCC5):c.3536C>T (p.Ala1179Val)

Genes: BIVM-ERCC5 (BIVM-ERCC5 readthrough; plus strand), ERCC5 (ERCC excision repair 5, endonuclease; plus strand). Cytogenetic location: 13q33.1.
Variant type: single nucleotide variant.
Coding change: c.3536C>T on transcript NM_000123.4 (MANE Select); coding-DNA position 3536, C replaced by T.
Protein change: p.Ala1179Val; replaces alanine 1179 with valine.
Molecular consequence: missense variant.
Genome position (GRCh38, 1-based): chr13:102,875,878, C>T. VCF-style: chr13-102875878-C-T. GRCh37 (hg19) VCF-style: chr13-103528228-C-T.
Other names: c.4898C>T, p.Ala1633Val (NM_001204425.2); short protein forms A1179V, A1633V.
Identifiers: ClinVar variation 856662 (VCV000856662.9), dbSNP rs998046185, ClinGen allele CA255467660.
Genomic context (GRCh38, chr13:102,875,878, plus strand): 5'-AGATGGTCCTCGTGACCGCCAGATCTGTGTTTGGGAAGAAAAGAAGGAAACTAAGACGTG[C>T]GAGGGGAAGAAAAAGGAAAACCTAATTAAAAAATATGTATCCTCTATAATTAGTTATGAC-3'
Protein context (NP_000114.3, residues 1169-1186): FGKKRRKLRR[Ala1179Val]RGRKRKT

ClinVar aggregate classification (germline): Uncertain significance (1 of 4 stars; one submission).

Allele frequency attached by ClinVar (database versions not stated): gnomAD 0.00001; TOPMed 0.00002.
gnomAD v4.1: 10 of 1,609,680 alleles (0.00062%); highest among the groups gnomAD compares: Admixed American, 0.0033%; no homozygotes.

Submission:

Labcorp Genetics (formerly Invitae), Labcorp
Classification: Uncertain significance. Last evaluated: 2019-02-22. Review status: criteria provided, single submitter. Criteria: Invitae Variant Classification Sherloc (09022015). Collection method: clinical testing. Allele origin: germline.
Comment: In summary, the available evidence is currently insufficient to determine the role of this variant in disease. Therefore, it has been classified as a Variant of Uncertain Significance. Algorithms developed to predict the effect of sequence changes on RNA splicing suggest that this variant may create or strengthen a splice site, but this prediction has not been confirmed by published transcriptional studies. Algorithms developed to predict the effect of missense changes on protein structure and function output the following: SIFT: "Tolerated"; PolyPhen-2: "Not available"; Align-GVGD: "Class C0". The valine amino acid residue is found in multiple mammalian species, suggesting that this missense change does not adversely affect protein function. These predictions have not been confirmed by published functional studies and their clinical significance is uncertain. This variant has not been reported in the literature in individuals with ERCC5-related conditions. This variant is not present in population databases (ExAC no frequency). This sequence change replaces alanine with valine at codon 1179 of the ERCC5 protein (p.Ala1179Val). The alanine residue is weakly conserved and there is a small physicochemical difference between alanine and valine.